The following is an entry in ClinVar:

ClinVar aggregate classification (germline): Benign/Likely benign. Review status: criteria provided, multiple submitters, no conflicts (2 of 4 stars). 2 submissions from 2 submitters: Benign (1); Likely benign (1). Last evaluated 2025-04-07.

Conditions:
Tuberous sclerosis 1 (TSC1). Identifiers: Orphanet 805, MedGen C1854465, MONDO:0008612, OMIM 191100.
Hereditary cancer-predisposing syndrome. Also called: Hereditary Cancer Syndrome; Tumor predisposition; Neoplastic Syndromes, Hereditary; Hereditary neoplastic syndrome. Identifiers: Orphanet 140162, MedGen C0027672, MeSH D009386, MONDO:0015356.

Submissions (2):

Myriad Genetics, Inc.
Classification: Benign for Tuberous sclerosis 1. Last evaluated: 2025-04-07. Review status: criteria provided, single submitter. Criteria: Myriad Autosomal Dominant, Autosomal Recessive and X-Linked Classification Criteria (2023). Collection method: clinical testing. Allele origin: unknown.
Comment: This variant is considered benign. This variant is a silent/synonymous amino acid change and it is not expected to impact splicing.

Ambry Genetics
Classification: Likely benign for Hereditary cancer-predisposing syndrome. Last evaluated: 2023-11-03. Review status: criteria provided, single submitter. Criteria: Ambry Variant Classification Scheme 2023. Collection method: clinical testing. Allele origin: germline.

NM_000368.5(TSC1):c.198G>A (p.Glu66=)

Gene: TSC1 (TSC complex subunit 1; minus strand). Cytogenetic location: 9q34.13.
Variant type: single nucleotide variant.
Coding change: c.198G>A on transcript NM_000368.5 (MANE Select); coding-DNA position 198, G replaced by A.
Protein change: p.Glu66=; no amino-acid change (glutamic acid 66 retained).
Molecular consequence: synonymous variant. On other transcripts: 5 prime UTR variant (9), non-coding transcript variant (4), intron variant (9).
Genome position (GRCh38, 1-based): chr9:132,927,213, C>T on the plus strand (G>A on the coding strand, the complement: TSC1 is on the minus strand). VCF-style: chr9-132927213-C-T. GRCh37 (hg19) VCF-style: chr9-135802600-C-T.
Other names: c.198G>A, p.Glu66= (NM_001162426.2, NM_001162427.2, NM_001406592.1 and 21 more transcripts); c.-291G>A (NM_001406615.1, NM_001406623.1); c.-258G>A (NM_001406616.1, NM_001406624.1); c.-680G>A (NM_001406626.1, NM_001406627.1, NM_001406628.1); c.-822G>A (NM_001406629.1); c.-896G>A (NM_001406630.1); c.-153-1474G>A (NM_001406620.1, NM_001406618.1, NM_001406625.1 and 5 more transcripts); c.-245-1474G>A (NM_001406614.1).
Identifiers: ClinVar variation 3231287 (VCV003231287.2), dbSNP rs2132265656, ClinGen allele CA467594254.